The following is an entry in ClinVar:

ClinVar aggregate classification (germline): Uncertain significance (1 of 4 stars; one submission).

Conditions:
Hereditary sensory and autonomic neuropathy type 7. Also called: Neuropathy, hereditary sensory and autonomic, type VII; HSAN VII. Identifiers: Orphanet 391397, MedGen C3809882, MONDO:0014244, OMIM 615548.
Familial episodic pain syndrome with predominantly lower limb involvement. Also called: Episodic pain syndrome, familial, 3. Identifiers: Orphanet 391384, Orphanet 391392, MedGen C3809899, MONDO:0014247, OMIM 615552.

Allele frequency attached by ClinVar (database versions not stated): gnomAD 0.00003; gnomAD exomes 0.00004 and 0.00008; ExAC 0.00009; 1000 Genomes Project 30x 0.00031; 1000 Genomes Project 0.00040.
gnomAD v4.1: 68 of 1,614,214 alleles (0.0042%); highest among the groups gnomAD compares: South Asian, 0.07%; 1 homozygote.

Submission:

Labcorp Genetics (formerly Invitae), Labcorp
Classification: Uncertain significance for Familial episodic pain syndrome with predominantly lower limb involvement; Hereditary sensory and autonomic neuropathy type 7. Last evaluated: 2023-10-06. Review status: criteria provided, single submitter. Criteria: Invitae Variant Classification Sherloc (09022015). Collection method: clinical testing. Allele origin: germline.
Comment: This sequence change replaces isoleucine, which is neutral and non-polar, with phenylalanine, which is neutral and non-polar, at codon 880 of the SCN11A protein (p.Ile880Phe). This variant is present in population databases (rs570439209, gnomAD 0.06%), and has an allele count higher than expected for a pathogenic variant. This variant has not been reported in the literature in individuals affected with SCN11A-related conditions. ClinVar contains an entry for this variant (Variation ID: 1425539). An algorithm developed to predict the effect of missense changes on protein structure and function (PolyPhen-2) suggests that this variant is likely to be tolerated. In summary, the available evidence is currently insufficient to determine the role of this variant in disease. Therefore, it has been classified as a Variant of Uncertain Significance.

NM_001349253.2(SCN11A):c.2638A>T (p.Ile880Phe)

Gene: SCN11A (sodium voltage-gated channel alpha subunit 11; minus strand). Cytogenetic location: 3p22.2.
Variant type: single nucleotide variant.
Coding change: c.2638A>T on transcript NM_001349253.2 (MANE Select); coding-DNA position 2638, A replaced by T.
Protein change: p.Ile880Phe; replaces isoleucine 880 with phenylalanine.
Molecular consequence: missense variant.
Genome position (GRCh38, 1-based): chr3:38,894,730, T>A on the plus strand (A>T on the coding strand, the complement: SCN11A is on the minus strand). VCF-style: chr3-38894730-T-A. GRCh37 (hg19) VCF-style: chr3-38936221-T-A.
Other names: c.2638A>T, p.Ile880Phe (NM_014139.3); short protein forms I880F.
Identifiers: ClinVar variation 1425539 (VCV001425539.6), dbSNP rs570439209, ClinGen allele CA2322004.